The following is an entry in ClinVar:

NM_000719.7(CACNA1C):c.1255G>A (p.Gly419Arg)

Gene: CACNA1C (calcium voltage-gated channel subunit alpha1 C; plus strand). Cytogenetic location: 12p13.33.
Variant type: single nucleotide variant.
Coding change: c.1255G>A on transcript NM_000719.7 (MANE Select); coding-DNA position 1255, G replaced by A.
Protein change: p.Gly419Arg; replaces glycine 419 with arginine.
Molecular consequence: missense variant.
Genome position (GRCh38, 1-based): chr12:2,512,849, G>A. VCF-style: chr12-2512849-G-A. GRCh37 (hg19) VCF-style: chr12-2622015-G-A.
Other names: p.G419R:GGA>AGA; c.1255G>A, p.Gly419Arg (NM_001129836.2, NM_001129837.2, NM_001129838.2 and 18 more transcripts); c.1246G>A, p.Gly416Arg (NM_001129844.2); short protein forms G419R, G416R.
Identifiers: ClinVar variation 190697 (VCV000190697.7), dbSNP rs786205776, ClinGen allele CA301703.

ClinVar aggregate classification (germline): Conflicting classifications of pathogenicity. Review status: criteria provided, conflicting classifications (1 of 4 stars). 2 submissions from 2 submitters: Pathogenic (1); Uncertain significance (1). Last evaluated 2023-09-26.

Conditions:
Long QT syndrome (LQTS). Identifiers: MedGen C0023976, MeSH D008133, MONDO:0002442. Disease mechanism: loss of function. Inheritance: Various modes of inheritance.

Submissions (2):

Labcorp Genetics (formerly Invitae), Labcorp
Classification: Pathogenic for Long QT syndrome. Last evaluated: 2023-09-26. Review status: criteria provided, single submitter. Criteria: Invitae Variant Classification Sherloc (09022015). Collection method: clinical testing. Allele origin: germline.
Comment: This sequence change replaces glycine, which is neutral and non-polar, with arginine, which is basic and polar, at codon 419 of the CACNA1C protein (p.Gly419Arg). This variant is not present in population databases (gnomAD no frequency). This missense change has been observed in individual(s) with Timothy syndrome (PMID: 33191761). In at least one individual the variant was observed to be de novo. ClinVar contains an entry for this variant (Variation ID: 190697). Advanced modeling of protein sequence and biophysical properties (such as structural, functional, and spatial information, amino acid conservation, physicochemical variation, residue mobility, and thermodynamic stability) performed at Invitae indicates that this missense variant is expected to disrupt CACNA1C protein function. Experimental studies have shown that this missense change affects CACNA1C function (PMID: 33191761). For these reasons, this variant has been classified as Pathogenic.

GeneDx
Classification: Uncertain significance. Last evaluated: 2014-09-22. Review status: criteria provided, single submitter. Criteria: GeneDx Variant Classification (06012015). Collection method: clinical testing. Allele origin: germline. Affected: yes.
Comment: p.Gly419Arg (GGA>AGA): c.1255 G>A in exon 9 of the CACNA1C gene (NM_000719.6). The G419R variant has not been published as a mutation, nor has it been reported as a benign polymorphism to our knowledge. The G419R variant was not observed in approximately 6,400 individuals of European and African American ancestry in the NHLBI Exome Sequencing Project, indicating it is not a common benign variant in these populations. The G419R variant is a non-conservative amino acid substitution, which is likely to impact secondary protein structure as these residues differ in polarity, charge, size and/or other properties. This substitution occurs at a position that is conserved across species. In silico analysis predicts this variant is probably damaging to the protein structure/function. However, no missense mutations in nearby residues have been reported in association with LQTS, indicating that this region of the protein may be tolerant of change. Therefore, based on the currently available information, it is unclear whether this variant is a pathogenic mutation or a rare benign variant. The variant is found in LQT panel(s).

Literature cited by the submitters: PubMed 33191761 (cited by Labcorp Genetics (formerly Invitae), Labcorp).